The following is an entry in ClinVar:

NM_002860.4(ALDH18A1):c.-5G>A

Gene: ALDH18A1 (aldehyde dehydrogenase 18 family member A1; minus strand). Cytogenetic location: 10q24.1.
Variant type: single nucleotide variant.
Coding change: c.-5G>A on transcript NM_002860.4 (MANE Select); 5 bases upstream of the start codon, G replaced by A.
Molecular consequence: 5 prime UTR variant.
Genome position (GRCh38, 1-based): chr10:95,653,382, C>T on the plus strand (G>A on the coding strand, the complement: ALDH18A1 is on the minus strand). VCF-style: chr10-95653382-C-T. GRCh37 (hg19) VCF-style: chr10-97413139-C-T.
Other names: c.-5G>A (NM_001017423.2, NM_001323413.2, NM_001323414.2 and 2 more transcripts); c.-123G>A (NM_001323412.2, NM_001323416.2, NM_001323418.2); c.-171G>A (NM_001323419.2).
Identifiers: ClinVar variation 301777 (VCV000301777.9), dbSNP rs371024575, ClinGen allele CA5620717.

ClinVar aggregate classification (germline): Conflicting classifications of pathogenicity. Review status: criteria provided, conflicting classifications (1 of 4 stars). 4 submissions from 4 submitters: Uncertain significance (2); Likely benign (1). 1 of the submissions does not count toward it. Last evaluated 2024-09-25.

Conditions:
ALDH18A1-related disorder. Also called: ALDH18A1-related disorders.
ALDH18A1-related de Barsy syndrome. Also called: Cutis laxa, autosomal recessive IIIA; DE BARSY SYNDROME A. Identifiers: Orphanet 2962, Orphanet 35664, MedGen C5234852, MONDO:0009053, OMIM 219150.

Allele frequency attached by ClinVar (database versions not stated): TOPMed 0.00004; gnomAD exomes 0.00005 and 0.00011; gnomAD 0.00007; ExAC 0.00012; ESP Exome Variant Server 0.00015.

Submissions (4):

Blueprint Genetics
Classification: Likely benign. Last evaluated: 2024-09-25. Review status: criteria provided, single submitter. Criteria: ACMG Guidelines, 2015. Collection method: clinical testing. Allele origin: germline.

GeneDx
Classification: Uncertain significance. Last evaluated: 2022-03-08. Review status: criteria provided, single submitter. Criteria: GeneDx Variant Classification Process June 2021. Collection method: clinical testing. Allele origin: germline. Affected: yes.
Comment: Has not been previously published as pathogenic or benign to our knowledge; Nucleotide is not conserved across species and is located in a region that lacks pathogenic variants

Illumina Laboratory Services, Illumina
Classification: Uncertain significance for ALDH18A1-related de Barsy syndrome. Last evaluated: 2018-01-13. Review status: criteria provided, single submitter. Criteria: ICSL Variant Classification Criteria 13 December 2019. Collection method: clinical testing. Allele origin: germline.

PreventionGenetics, part of Exact Sciences
Classification: Likely benign for ALDH18A1-related condition. Last evaluated: 2023-02-03. Review status: no assertion criteria provided. Collection method: clinical testing. Allele origin: germline. Not counted in ClinVar's aggregate classification.
Comment: This variant is classified as likely benign based on ACMG/AMP sequence variant interpretation guidelines (Richards et al. 2015 PMID: 25741868, with internal and published modifications).